The following is an entry in ClinVar:

ClinVar aggregate classification (germline): Uncertain significance (1 of 4 stars; one submission).

Conditions:
GLB1-related disorder. Also called: GLB1-related disorders. Identifiers: MedGen CN377807.

Submission:

Myriad Genetics, Inc.
Classification: Uncertain significance for GLB1-related disorder. Last evaluated: 2026-05-11. Review status: criteria provided, single submitter. Criteria: Myriad Autosomal Dominant, Autosomal Recessive and X-Linked Classification Criteria (2023). Collection method: clinical testing. Allele origin: unknown.
Comment: NM_000404.2(GLB1):c.707T>C(L236P) is a missense variant classified as a variant of uncertain significance in the context of GLB1-related disorders. L236P has been observed in a case with relevant disease (PMID: 25936995). Relevant functional assessments of this variant are not available in the literature. L236P has not been observed in referenced population frequency databases. In summary, there is insufficient evidence to classify NM_000404.2(GLB1):c.707T>C(L236P) as pathogenic or benign. Please note: this variant was assessed in the context of healthy population screening.

Literature cited by the submitters: PubMed 25936995.

NM_000404.4(GLB1):c.707T>C (p.Leu236Pro)

Gene: GLB1 (galactosidase beta 1; minus strand). Cytogenetic location: 3p22.3.
Variant type: single nucleotide variant.
Coding change: c.707T>C on transcript NM_000404.4 (MANE Select); coding-DNA position 707, T replaced by C.
Protein change: p.Leu236Pro; replaces leucine 236 with proline.
Molecular consequence: missense variant. On other transcripts: intron variant (1).
Genome position (GRCh38, 1-based): chr3:33,058,115, A>G on the plus strand (T>C on the coding strand, the complement: GLB1 is on the minus strand). VCF-style: chr3-33058115-A-G. GRCh37 (hg19) VCF-style: chr3-33099607-A-G.
Other names: c.617T>C, p.Leu206Pro (NM_001079811.3); c.851T>C, p.Leu284Pro (NM_001317040.2); c.707T>C, p.Leu236Pro (NM_001393580.1); c.341-4566T>C (NM_001135602.3); short protein forms L236P, L284P, L206P.
Identifiers: ClinVar variation 5003298 (VCV005003298.1).